The following is an entry in ClinVar:

ClinVar aggregate classification (germline): Uncertain significance (1 of 4 stars; one submission).

Submission:

Labcorp Genetics (formerly Invitae), Labcorp
Classification: Uncertain significance. Last evaluated: 2023-12-11. Review status: criteria provided, single submitter. Criteria: Invitae Variant Classification Sherloc (09022015). Collection method: clinical testing. Allele origin: germline.
Comment: This sequence change replaces lysine, which is basic and polar, with methionine, which is neutral and non-polar, at codon 330 of the NR2E3 protein (p.Lys330Met). This variant is not present in population databases (gnomAD no frequency). This variant has not been reported in the literature in individuals affected with NR2E3-related conditions. ClinVar contains an entry for this variant (Variation ID: 2095889). Advanced modeling of protein sequence and biophysical properties (such as structural, functional, and spatial information, amino acid conservation, physicochemical variation, residue mobility, and thermodynamic stability) performed at Invitae indicates that this missense variant is expected to disrupt NR2E3 protein function with a positive predictive value of 80%. In summary, the available evidence is currently insufficient to determine the role of this variant in disease. Therefore, it has been classified as a Variant of Uncertain Significance.

NM_014249.4(NR2E3):c.989A>T (p.Lys330Met)

Gene: NR2E3 (nuclear receptor subfamily 2 group E member 3; plus strand). Cytogenetic location: 15q23.
Variant type: single nucleotide variant.
Coding change: c.989A>T on transcript NM_014249.4 (MANE Select); coding-DNA position 989, A replaced by T.
Protein change: p.Lys330Met; replaces lysine 330 with methionine.
Molecular consequence: missense variant.
Genome position (GRCh38, 1-based): chr15:71,813,630, A>T. VCF-style: chr15-71813630-A-T. GRCh37 (hg19) VCF-style: chr15-72105971-A-T.
Other names: c.989A>T, p.Lys330Met (NM_016346.4); short protein forms K330M.
Identifiers: ClinVar variation 2095889 (VCV002095889.4), dbSNP rs2543256600, ClinGen allele CA393038124.